The following is an entry in ClinVar:

ClinVar aggregate classification (germline): Likely benign. Review status: criteria provided, multiple submitters, no conflicts (2 of 4 stars). 7 submissions from 7 submitters: Likely benign (6). 1 of the submissions does not count toward it. Last evaluated 2025-03-19.

Conditions:
Hereditary cancer-predisposing syndrome. Also called: Tumor predisposition; Hereditary neoplastic syndrome; Neoplastic Syndromes, Hereditary; Hereditary Cancer Syndrome. Identifiers: Orphanet 140162, MedGen C0027672, MeSH D009386, MONDO:0015356.
Peutz-Jeghers syndrome (PJS). Also called: POLYPOSIS, HAMARTOMATOUS INTESTINAL; POLYPS-AND-SPOTS SYNDROME; Peutz-Jeghers polyposis; Periorificial lentiginosis syndrome. Identifiers: Orphanet 2869, MedGen C0031269, MeSH D010580, MONDO:0008280, OMIM 175200.

Allele frequency attached by ClinVar (database versions not stated): gnomAD exomes below 0.00001; gnomAD 0.00001.
gnomAD v4.1: 3 of 1,596,726 alleles (0.00019%); highest among the groups gnomAD compares: Non-Finnish European, 0.00026%; no homozygotes.

Submissions (7):

Labcorp Genetics (formerly Invitae), Labcorp
Classification: Likely benign for Peutz-Jeghers syndrome. Last evaluated: 2025-03-19. Review status: criteria provided, single submitter. Criteria: Invitae Variant Classification Sherloc (09022015). Collection method: clinical testing. Allele origin: germline.

Myriad Genetics, Inc.
Classification: Likely benign for Peutz-Jeghers syndrome. Last evaluated: 2023-04-12. Review status: criteria provided, single submitter. Criteria: Myriad Autosomal Dominant, Autosomal Recessive and X-Linked Classification Criteria (2023). Collection method: clinical testing. Allele origin: unknown.
Comment: This variant is considered likely benign. This variant is intronic and is not expected to impact mRNA splicing.

All of Us Research Program, National Institutes of Health
Classification: Likely benign for Peutz-Jeghers syndrome. Last evaluated: 2023-04-10. Review status: criteria provided, single submitter. Criteria: ACMG Guidelines, 2015. Collection method: clinical testing. Allele origin: germline. Inheritance: Autosomal dominant inheritance. Observed: 1 variant allele, 1 heterozygote.
Comment: This study involves interpretation of variants in research participants for the purpose of population health screening. Participant phenotype was not available at the time of variant classification. Additional details can be found in publication PMID: 35346344, PMCID: PMC8962531

Color Diagnostics, LLC DBA Color Health
Classification: Likely benign for Hereditary cancer-predisposing syndrome. Last evaluated: 2019-05-10. Review status: criteria provided, single submitter. Criteria: ACMG Guidelines, 2015. Collection method: clinical testing. Allele origin: germline.

GeneDx
Classification: Likely benign. Last evaluated: 2017-04-24. Review status: criteria provided, single submitter. Criteria: GeneDx Variant Classification (06012015). Collection method: clinical testing. Allele origin: germline. Affected: yes.
Comment: This variant is considered likely benign or benign based on one or more of the following criteria: it is a conservative change, it occurs at a poorly conserved position in the protein, it is predicted to be benign by multiple in silico algorithms, and/or has population frequency not consistent with disease.

Breakthrough Genomics
Classification: Likely benign. Review status: criteria provided, single submitter. Criteria: ACMG Guidelines, 2015. Collection method: not provided. Allele origin: germline. Inheritance: Autosomal dominant inheritance. Affected: yes.

Counsyl
Classification: Likely benign for Peutz-Jeghers syndrome. Last evaluated: 2018-04-25. Review status: no assertion criteria provided. Collection method: clinical testing. Allele origin: unknown. Not counted in ClinVar's aggregate classification.

NM_000455.5(STK11):c.465-7C>T

Gene: STK11 (serine/threonine kinase 11; plus strand). Cytogenetic location: 19p13.3.
Variant type: single nucleotide variant.
Coding change: c.465-7C>T on transcript NM_000455.5 (MANE Select); 7 bases into the intron before coding-DNA position 465, C replaced by T.
Molecular consequence: intron variant.
Genome position (GRCh38, 1-based): chr19:1,220,366, C>T. VCF-style: chr19-1220366-C-T. GRCh37 (hg19) VCF-style: chr19-1220365-C-T.
Identifiers: ClinVar variation 219938 (VCV000219938.17), dbSNP rs864622317, ClinGen allele CA350346.